The following is an entry in ClinVar:

NM_007192.4(SUPT16H):c.1259C>T (p.Ser420Phe)

Gene: SUPT16H (SPT16 homolog, facilitates chromatin remodeling subunit; minus strand). Cytogenetic location: 14q11.2.
Variant type: single nucleotide variant.
Coding change: c.1259C>T on transcript NM_007192.4 (MANE Select); coding-DNA position 1259, C replaced by T.
Protein change: p.Ser420Phe; replaces serine 420 with phenylalanine.
Molecular consequence: missense variant.
Genome position (GRCh38, 1-based): chr14:21,363,478, G>A on the plus strand (C>T on the coding strand, the complement: SUPT16H is on the minus strand). VCF-style: chr14-21363478-G-A. GRCh37 (hg19) VCF-style: chr14-21831637-G-A.
Other names: short protein forms S420F.
Identifiers: ClinVar variation 4076233 (VCV004076233.3).

ClinVar aggregate classification (germline): Uncertain significance. Review status: criteria provided, multiple submitters, no conflicts (2 of 4 stars). 2 submissions from 2 submitters: Uncertain significance (2). Last evaluated 2025-10-31.

Conditions:
Neurodevelopmental disorder with dysmorphic facies and thin corpus callosum. Identifiers: MedGen C5551361, MONDO:0859179, OMIM 619480.

Submissions (2):

Dasa
Classification: Uncertain significance. Last evaluated: 2025-10-31. Review status: criteria provided, single submitter. Criteria: DASA Assertion Criteria. Collection method: clinical testing. Allele origin: germline.
Comment: NM_007192.4(SUPT16H):c.1259C>T (p.Ser420Phe) is a missense variant that results in the substitution of serine with phenylalanine. This variant is absent from population databases. The currently available literature and clinical evidence are not sufficient to establish a definitive association between this variant and the reported condition. Therefore, this variant is classified as a variant of uncertain significance.

Laboratorio de Genetica e Diagnostico Molecular, Hospital Israelita Albert Einstein
Classification: Uncertain significance for Neurodevelopmental disorder with dysmorphic facies and thin corpus callosum. Last evaluated: 2025-04-15. Review status: criteria provided, single submitter. Criteria: ACMG Guidelines, 2015. Collection method: clinical testing. Allele origin: germline. Affected: yes.
Comment: ACMG classification criteria: PM2 supporting, PP2 supporting, BP4 supporting